The following is an entry in ClinVar:

ClinVar aggregate classification (germline): Uncertain significance (1 of 4 stars; one submission).

Conditions:
Cardiovascular phenotype. Identifiers: MedGen CN230736.

Submission:

Ambry Genetics
Classification: Uncertain significance for Cardiovascular phenotype. Last evaluated: 2026-09-11. Review status: criteria provided, single submitter. Criteria: Ambry Variant Classification Scheme 2023. Collection method: clinical testing. Allele origin: germline.
Comment: The p.F3039L variant (also known as c.9115T>C), located in coding exon 26 of the APOB gene, results from a T to C substitution at nucleotide position 9115. The phenylalanine at codon 3039 is replaced by leucine, an amino acid with highly similar properties. This amino acid position is conserved. In addition, this alteration is predicted to be tolerated by in silico analysis. Based on the available evidence, the clinical significance of this variant remains unclear.

NM_000384.3(APOB):c.9115T>C (p.Phe3039Leu)

Gene: APOB (apolipoprotein B; minus strand). Cytogenetic location: 2p24.1.
Variant type: single nucleotide variant.
Coding change: c.9115T>C on transcript NM_000384.3 (MANE Select); coding-DNA position 9115, T replaced by C.
Protein change: p.Phe3039Leu; replaces phenylalanine 3039 with leucine.
Molecular consequence: missense variant.
Genome position (GRCh38, 1-based): chr2:21,007,753, A>G on the plus strand (T>C on the coding strand, the complement: APOB is on the minus strand). VCF-style: chr2-21007753-A-G. GRCh37 (hg19) VCF-style: chr2-21230625-A-G.
Other names: short protein forms F3039L.
Identifiers: ClinVar variation 3933772 (VCV003933772.2).
Genomic context (GRCh38, chr2:21,007,753, plus strand): 5'-GAACTTTCAAATTCCCTTCATTGTTTGTGGATGCCGTGATCTCAAATGGCTGGGCTGAAA[A>G]GAAAAGAGAATTTTTCAAAGTTCCAATAACCTTTCCATTTAAATGAGCATCATGCCTCCC-3'
Protein context (NP_000375.3, residues 3029-3049): VIGTLKNSLF[Phe3039Leu]SAQPFEITAS